The following is an entry in ClinVar:

NM_015192.4(PLCB1):c.2015G>A (p.Gly672Glu)

Gene: PLCB1 (phospholipase C beta 1; plus strand). Cytogenetic location: 20p12.3.
Variant type: single nucleotide variant.
Coding change: c.2015G>A on transcript NM_015192.4 (MANE Select); coding-DNA position 2015, G replaced by A.
Protein change: p.Gly672Glu; replaces glycine 672 with glutamic acid.
Molecular consequence: missense variant.
Genome position (GRCh38, 1-based): chr20:8,733,364, G>A. VCF-style: chr20-8733364-G-A. GRCh37 (hg19) VCF-style: chr20-8714011-G-A.
Other names: c.2015G>A, p.Gly672Glu (NM_182734.3); short protein forms G672E.
Identifiers: ClinVar variation 487234 (VCV000487234.9), dbSNP rs1555786715, ClinGen allele CA408205851.
Genomic context (GRCh38, chr20:8,733,364, plus strand): 5'-CAGAGTTCATGAGGAGGCCTGACAAGCATTTTGATCCATTTACTGAAGGCATCGTAGATG[G>A]GATAGTGGCAAACACTTTGTCTGTTAAGGTAGGTATACCCCATCACAAAATTGTTCCTAA-3'
Protein context (NP_056007.1, residues 662-682): FDPFTEGIVD[Gly672Glu]IVANTLSVKI

ClinVar aggregate classification (germline): Uncertain significance (1 of 4 stars; one submission).

Conditions:
Developmental and epileptic encephalopathy, 12 (DEE12). Identifiers: MedGen C3150988, MONDO:0013389, OMIM 613722.

Submission:

Labcorp Genetics (formerly Invitae), Labcorp
Classification: Uncertain significance for Developmental and epileptic encephalopathy, 12. Last evaluated: 2017-07-24. Review status: criteria provided, single submitter. Criteria: Invitae Variant Classification Sherloc (09022015). Collection method: clinical testing. Allele origin: germline.
Comment: This variant has not been reported in the literature in individuals with PLCB1-related disease. This variant is not present in population databases (ExAC no frequency). This sequence change replaces glycine with glutamic acid at codon 672 of the PLCB1 protein (p.Gly672Glu). The glycine residue is highly conserved and there is a moderate physicochemical difference between glycine and glutamic acid. In summary, the available evidence is currently insufficient to determine the role of this variant in disease. Therefore, it has been classified as a Variant of Uncertain Significance. Algorithms developed to predict the effect of missense changes on protein structure and function do not agree on the potential impact of this missense change (SIFT: "Deleterious"; PolyPhen-2: "Probably Damaging"; Align-GVGD: "Class C0").